The following is an entry in ClinVar:

ClinVar aggregate classification (germline): Uncertain significance (1 of 4 stars; one submission).

Allele frequency attached by ClinVar (database versions not stated): gnomAD 0.00001 and 0.00002; TOPMed 0.00003; gnomAD exomes 0.00004.
gnomAD v4.1: 91 of 1,536,026 alleles (0.0059%); highest among the groups gnomAD compares: Non-Finnish European, 0.0074%; no homozygotes.

Submission:

Labcorp Genetics (formerly Invitae), Labcorp
Classification: Uncertain significance. Last evaluated: 2024-12-02. Review status: criteria provided, single submitter. Criteria: Invitae Variant Classification Sherloc (09022015). Collection method: clinical testing. Allele origin: germline.
Comment: The C2CD3 gene has multiple clinically relevant transcripts. This variant occurs in alternate transcript NM_001286577.1, and corresponds to NM_015531.5:c.*368G>A in the primary transcript. This sequence change replaces arginine, which is basic and polar, with glutamine, which is neutral and polar, at codon 1977 of the C2CD3 protein (p.Arg1977Gln). The frequency data for this variant in the population databases is considered unreliable, as metrics indicate poor data quality at this position in the gnomAD database. This variant has not been reported in the literature in individuals affected with C2CD3-related conditions. Experimental studies and prediction algorithms are not available or were not evaluated, and the functional significance of this variant is currently unknown. In summary, the available evidence is currently insufficient to determine the role of this variant in disease. Therefore, it has been classified as a Variant of Uncertain Significance.

NM_001286577.2(C2CD3):c.5930G>A (p.Arg1977Gln)

Gene: C2CD3 (C2 domain containing 3 centriole elongation regulator; minus strand). Cytogenetic location: 11q13.4.
Variant type: single nucleotide variant.
Coding change: c.5930G>A on transcript NM_001286577.2 (MANE Select); coding-DNA position 5930, G replaced by A.
Protein change: p.Arg1977Gln; replaces arginine 1977 with glutamine.
Molecular consequence: missense variant.
Genome position (GRCh38, 1-based): chr11:74,034,230, C>T on the plus strand (G>A on the coding strand, the complement: C2CD3 is on the minus strand). VCF-style: chr11-74034230-C-T. GRCh37 (hg19) VCF-style: chr11-73745275-C-T.
Other names: short protein forms R1977Q.
Identifiers: ClinVar variation 1439862 (VCV001439862.4), dbSNP rs775042648, ClinGen allele CA224505819.
Genomic context (GRCh38, chr11:74,034,230, plus strand): 5'-AGTGCTTCTGTGTCCTGAGCATCTGGGAGGGTGGTGGCCTTGTTGCTTCTACTCCTGGCT[C>T]GGTGAGAACTCAAAGCTGCTTGCGAATCCCTGGTGATAGTCTGCAGATCTGAACAGCAAC-3'
Protein context (NP_001273506.1, residues 1967-1987): RDSQAALSSH[Arg1977Gln]ARSRSNKATT